The following is an entry in ClinVar:

ClinVar aggregate classification (germline): Likely pathogenic (1 of 4 stars; one submission).

Submission:

Illumina Laboratory Services, Illumina
Classification: Likely pathogenic. Last evaluated: 2021-10-28. Review status: criteria provided, single submitter. Criteria: ICSL CNVClassificationCriteria Aug2020. Collection method: clinical testing. Allele origin: unknown.
Comment: This CNV is a 105 kb deletion of 5q12.1 on chromosome 5, (seq[GRCH37]del(5)(q12.1); chr5:g.60268673_60374105del) that was identified in a biallelic state and results in an intragenic deletion encompassing exon 2 of the NDUFAF2 gene. This deletion is not reported in primary literature, in cases in the DECIPHER database, or in ClinVar. However, intragenic deletions with similar predicted consequence (affecting exon 2 of NDUFAF2) have been reported in a heterozygous state in controls and in one individual in DECIPHER (Firth et al. 2009). The NDUFAF2 gene is associated with autosomal recessive Leigh syndrome and loss of function variants are a common mechanism of disease (Oglivie et al. 2005; Barghuti et al. 2008; Hoefs et al. 2009; Herzer et al. 2010; Calvo et al. 2010). Based on the available evidence, this CNV is classified as likely pathogenic.

Literature cited by the submitters: PubMed 16200211; PubMed 18180188; PubMed 19384974; PubMed 20571988; PubMed 20818383; PubMed 19344873.

GRCh37/hg19 5q12.1(chr5:60268673-60374105)x0

Gene: NDUFAF2 (NADH:ubiquinone oxidoreductase complex assembly factor 2; plus strand). Cytogenetic location: 5q12.1.
Variant type: copy number loss.
Change: copy number 0 (both copies lost) of chr5:60,268,673-60,374,105 (105.4 kb, GRCh37 coordinates, 1-based), cytogenetic band 5q12.1.
Identifiers: ClinVar variation 1328105 (VCV001328105.4).